The following is an entry in ClinVar:

NM_014679.5(CEP57):c.1205A>G (p.Glu402Gly)

Gene: CEP57 (centrosomal protein 57; plus strand). Cytogenetic location: 11q21.
Variant type: single nucleotide variant.
Coding change: c.1205A>G on transcript NM_014679.5 (MANE Select); coding-DNA position 1205, A replaced by G.
Protein change: p.Glu402Gly; replaces glutamic acid 402 with glycine.
Molecular consequence: missense variant.
Genome position (GRCh38, 1-based): chr11:95,829,264, A>G. VCF-style: chr11-95829264-A-G. GRCh37 (hg19) VCF-style: chr11-95562428-A-G.
Other names: c.1178A>G, p.Glu393Gly (NM_001243776.2); c.1127A>G, p.Glu376Gly (NM_001243777.2); c.1124A>G, p.Glu375Gly (NM_001363604.2, NM_001440869.1, NM_001440870.1); c.1097A>G, p.Glu366Gly (NM_001440871.1); c.1088A>G, p.Glu363Gly (NM_001440872.1); c.1025A>G, p.Glu342Gly (NM_001440873.1); c.1019A>G, p.Glu340Gly (NM_001440874.1); c.1016A>G, p.Glu339Gly (NM_001440875.1); and 6 more; short protein forms E303G, E327G, E337G, E366G, E402G, E301G, E336G, E376G.
Identifiers: ClinVar variation 4613571 (VCV004613571.1).

ClinVar aggregate classification (germline): Uncertain significance (1 of 4 stars; one submission).

Conditions:
Inborn genetic diseases. Identifiers: MedGen C0950123, MeSH D030342.

Submission:

Ambry Genetics
Classification: Uncertain significance for Inborn genetic diseases. Last evaluated: 2025-10-27. Review status: criteria provided, single submitter. Criteria: Ambry Variant Classification Scheme 2023. Collection method: clinical testing. Allele origin: germline.
Comment: The p.E402G variant (also known as c.1205A>G), located in coding exon 10 of the CEP57 gene, results from an A to G substitution at nucleotide position 1205. The glutamic acid at codon 402 is replaced by glycine, an amino acid with similar properties. This amino acid position is conserved. In addition, the in silico prediction for this alteration is inconclusive. Based on the available evidence, the clinical significance of this variant remains unclear.